The following is an entry in ClinVar:

NM_004484.4(GPC3):c.414T>C (p.Thr138=)

Gene: GPC3 (glypican 3; minus strand). Cytogenetic location: Xq26.2.
Variant type: single nucleotide variant.
Coding change: c.414T>C on transcript NM_004484.4 (MANE Select); coding-DNA position 414, T replaced by C.
Protein change: p.Thr138=; no amino-acid change (threonine 138 retained).
Molecular consequence: synonymous variant.
Genome position (GRCh38, 1-based): chrX:133,754,100, A>G on the plus strand (T>C on the coding strand, the complement: GPC3 is on the minus strand). VCF-style: chrX-133754100-A-G. GRCh37 (hg19) VCF-style: chrX-132888127-A-G.
Other names: c.414T>C, p.Thr138= (NM_001164617.2); c.366T>C, p.Thr122= (NM_001164618.2); c.252T>C, p.Thr84= (NM_001164619.2).
Identifiers: ClinVar variation 415276 (VCV000415276.22), dbSNP rs1048793393, ClinGen allele CA16616614.

ClinVar aggregate classification (germline): Likely benign. Review status: criteria provided, multiple submitters, no conflicts (2 of 4 stars). 3 submissions from 3 submitters: Likely benign (2). 1 of the submissions does not count toward it. Last evaluated 2026-01-05.

Conditions:
GPC3-related disorder. Also called: GPC3-related condition.
Wilms tumor 1 (WT1). Also called: Wilms tumor, somatic. Identifiers: Orphanet 654, MedGen CN033288, MONDO:0008679, OMIM 194070.

Allele frequency attached by ClinVar (database versions not stated): gnomAD exomes 0.00001 and 0.00003; gnomAD 0.00004.
gnomAD v4.1: 37 of 1,205,008 alleles (0.0031%); highest among the groups gnomAD compares: African/African-American, 0.0053%; no homozygotes.

Submissions (3):

Labcorp Genetics (formerly Invitae), Labcorp
Classification: Likely benign for Wilms tumor 1. Last evaluated: 2026-01-05. Review status: criteria provided, single submitter. Criteria: Invitae Variant Classification Sherloc (09022015). Collection method: clinical testing. Allele origin: germline.

CeGaT Center for Human Genetics Tuebingen
Classification: Likely benign. Last evaluated: 2025-08-01. Review status: criteria provided, single submitter. Criteria: CeGaT Center For Human Genetics Tuebingen Variant Classification Criteria Version 2. Collection method: clinical testing. Allele origin: germline. Affected: yes. Observed: 1 variant allele.
Comment: GPC3: BP4, BP7

PreventionGenetics, part of Exact Sciences
Classification: Likely benign for GPC3-related condition. Last evaluated: 2022-07-15. Review status: no assertion criteria provided. Collection method: clinical testing. Allele origin: germline. Not counted in ClinVar's aggregate classification.
Comment: This variant is classified as likely benign based on ACMG/AMP sequence variant interpretation guidelines (Richards et al. 2015 PMID: 25741868, with internal and published modifications).